The following is an entry in ClinVar:

NM_021625.5(TRPV4):c.1351G>C (p.Ala451Pro)

Gene: TRPV4 (transient receptor potential cation channel subfamily V member 4; minus strand). Cytogenetic location: 12q24.11.
Variant type: single nucleotide variant.
Coding change: c.1351G>C on transcript NM_021625.5 (MANE Select); coding-DNA position 1351, G replaced by C.
Protein change: p.Ala451Pro; replaces alanine 451 with proline.
Molecular consequence: missense variant.
Genome position (GRCh38, 1-based): chr12:109,794,469, C>G on the plus strand (G>C on the coding strand, the complement: TRPV4 is on the minus strand). VCF-style: chr12-109794469-C-G. GRCh37 (hg19) VCF-style: chr12-110232274-C-G.
Other names: c.1210G>C, p.Ala404Pro (NM_001177428.2); c.1249G>C, p.Ala417Pro (NM_001177431.2); c.1030G>C, p.Ala344Pro (NM_001177433.2); c.1171G>C, p.Ala391Pro (NM_147204.3); short protein forms A344P, A391P, A404P, A417P, A451P.
Identifiers: ClinVar variation 3365777 (VCV003365777.2).

ClinVar aggregate classification (germline): Uncertain significance (1 of 4 stars; one submission).

Submission:

GeneDx
Classification: Uncertain significance. Last evaluated: 2025-10-28. Review status: criteria provided, single submitter. Criteria: GeneDx Variant Classification Process June 2021. Collection method: clinical testing. Allele origin: germline.
Comment: Not observed at significant frequency in large population cohorts (gnomAD); In silico analysis supports that this missense variant has a deleterious effect on protein structure/function; Has not been previously published as pathogenic or benign to our knowledge